The following is an entry in ClinVar:

ClinVar aggregate classification (germline): Uncertain significance (1 of 4 stars; one submission).

Conditions:
Kabuki syndrome. Also called: NIIKAWA-KUROKI SYNDROME; Kabuki make-up syndrome. Identifiers: Orphanet 2322, MedGen C0796004, MONDO:0016512.

Allele frequency attached by ClinVar (database versions not stated): gnomAD exomes below 0.00001.
gnomAD v4.1: 1 of 1,606,038 alleles (0.000062%); highest among the groups gnomAD compares: South Asian, 0.0011%; no homozygotes.

Submission:

Labcorp Genetics (formerly Invitae), Labcorp
Classification: Uncertain significance for Kabuki syndrome. Last evaluated: 2021-08-17. Review status: criteria provided, single submitter. Criteria: Invitae Variant Classification Sherloc (09022015). Collection method: clinical testing. Allele origin: germline.
Comment: In summary, the available evidence is currently insufficient to determine the role of this variant in disease. Therefore, it has been classified as a Variant of Uncertain Significance. Advanced modeling of protein sequence and biophysical properties (such as structural, functional, and spatial information, amino acid conservation, physicochemical variation, residue mobility, and thermodynamic stability) performed at Invitae indicates that this missense variant is not expected to disrupt KMT2D protein function. This variant has not been reported in the literature in individuals affected with KMT2D-related conditions. This variant is not present in population databases (ExAC no frequency). This sequence change replaces leucine with arginine at codon 939 of the KMT2D protein (p.Leu939Arg). The leucine residue is weakly conserved and there is a moderate physicochemical difference between leucine and arginine.

NM_003482.4(KMT2D):c.2816T>G (p.Leu939Arg)

Gene: KMT2D (lysine methyltransferase 2D; minus strand). Cytogenetic location: 12q13.12.
Variant type: single nucleotide variant.
Coding change: c.2816T>G on transcript NM_003482.4 (MANE Select); coding-DNA position 2816, T replaced by G.
Protein change: p.Leu939Arg; replaces leucine 939 with arginine.
Molecular consequence: missense variant.
Genome position (GRCh38, 1-based): chr12:49,050,772, A>C on the plus strand (T>G on the coding strand, the complement: KMT2D is on the minus strand). VCF-style: chr12-49050772-A-C. GRCh37 (hg19) VCF-style: chr12-49444555-A-C.
Other names: short protein forms L939R.
Identifiers: ClinVar variation 1375754 (VCV001375754.6), dbSNP rs2120656685, ClinGen allele CA384661171.
Genomic context (GRCh38, chr12:49,050,772, plus strand): 5'-TACTCTAACTCCCCCAAAGGAGACAGGGCCGGTGGGGCCGCAGCTGTGATGATGGGTGAG[A>C]GTGGAGGAGGAAGGGGATCTGGAAGGAAAGAGAAAAAAGAAGGGCTCTTAGATTAGATGT-3'
Protein context (NP_003473.3, residues 929-949): LMPPDPLPPP[Leu939Arg]SPIITAAAPP